The following is an entry in ClinVar:

ClinVar aggregate classification (germline): Uncertain significance. Review status: criteria provided, single submitter (1 of 4 stars). 2 submissions from 2 submitters: Uncertain significance (1). 1 of the submissions does not count toward it. Last evaluated 2026-02-01.

Conditions:
Smith-Lemli-Opitz syndrome (SLOS). Also called: LETHAL ACRODYSGENITAL SYNDROME; POLYDACTYLY, SEX REVERSAL, RENAL HYPOPLASIA, AND UNILOBAR LUNG; RSH SYNDROME; RUTLEDGE LETHAL MULTIPLE CONGENITAL ANOMALY SYNDROME; 7-Dehydrocholesterol reductase deficiency. Identifiers: Orphanet 818, MedGen C0175694, MONDO:0010035, OMIM 270400.

Submissions (2):

CeGaT Center for Human Genetics Tuebingen
Classification: Uncertain significance. Last evaluated: 2026-02-01. Review status: criteria provided, single submitter. Criteria: CeGaT Center For Human Genetics Tuebingen Variant Classification Criteria Version 2. Collection method: clinical testing. Allele origin: germline. Affected: yes. Observed: 1 variant allele.
Comment: DHCR7: PM2, PM4

Counsyl
Classification: Uncertain significance for Smith-Lemli-Opitz syndrome. Last evaluated: 2017-06-09. Review status: no assertion criteria provided. Collection method: clinical testing. Allele origin: unknown. Not counted in ClinVar's aggregate classification.

NM_001360.3(DHCR7):c.1010_1018del (p.Ala337_Gly339del)

Gene: DHCR7 (7-dehydrocholesterol reductase; minus strand). Cytogenetic location: 11q13.4.
Variant type: Deletion.
Coding change: c.1010_1018del on transcript NM_001360.3 (MANE Select); coding-DNA positions 1010 to 1018, 9 bases deleted (CCGTGGGCG; older notation c.1010_1018delCCGTGGGCG).
Protein change: p.Ala337_Gly339del.
Molecular consequence: inframe deletion.
Genome position (GRCh38, 1-based): chr11:71,435,785-71,435,793, CGCCCACGG deleted on the plus strand (CCGTGGGCG on the coding strand, the reverse complement: DHCR7 is on the minus strand); deleting any 9 consecutive bases within chr11:71,435,785-71,435,795 gives the same sequence; the c. name uses the placement nearest the transcript's 3' end. VCF-style (leftmost placement, unchanged base first): chr11-71435784-ACGCCCACGG-A. GRCh37 (hg19) VCF-style: chr11-71146830-ACGCCCACGG-A.
Other names: c.1010_1018del, p.Ala337_Gly339del (NM_001163817.2); c.1010_1018del9 (NM_001360.2).
Identifiers: ClinVar variation 552451 (VCV000552451.6), dbSNP rs1555145633, ClinGen allele CA658823152.